The following is an entry in ClinVar:

NM_000313.4(PROS1):c.1247C>T (p.Pro416Leu)

Gene: PROS1 (protein S; minus strand). Cytogenetic location: 3q11.1.
Variant type: single nucleotide variant.
Coding change: c.1247C>T on transcript NM_000313.4 (MANE Select); coding-DNA position 1247, C replaced by T.
Protein change: p.Pro416Leu; replaces proline 416 with leucine.
Molecular consequence: missense variant.
Genome position (GRCh38, 1-based): chr3:93,886,412, G>A on the plus strand (C>T on the coding strand, the complement: PROS1 is on the minus strand). VCF-style: chr3-93886412-G-A. GRCh37 (hg19) VCF-style: chr3-93605256-G-A.
Other names: c.1343C>T, p.Pro448Leu (NM_001314077.2); short protein forms P416L, P448L.
Identifiers: ClinVar variation 216419 (VCV000216419.3), dbSNP rs565325519, ClinGen allele CA336020.

ClinVar aggregate classification (germline): Uncertain significance. Review status: criteria provided, multiple submitters, no conflicts (2 of 4 stars). 2 submissions from 2 submitters: Uncertain significance (2). Last evaluated 2021-09-02.

Conditions:
Thrombophilia due to protein S deficiency, autosomal recessive (THPH6). Identifiers: Orphanet 743, MedGen C3281092, MONDO:0013791, OMIM 614514. Disease mechanism: loss of function.
Thrombophilia due to protein S deficiency, autosomal dominant (THPH5). Identifiers: Orphanet 26349, Orphanet 743, MedGen C3278211, MONDO:0012868, OMIM 612336. Disease mechanism: loss of function.

Allele frequency attached by ClinVar (database versions not stated): gnomAD 0.00008 and 0.00005; 1000 Genomes Project 30x 0.00031; 1000 Genomes Project 0.00040; TOPMed 0.00005.

Submissions (2):

Labcorp Genetics (formerly Invitae), Labcorp
Classification: Uncertain significance for Thrombophilia due to protein S deficiency, autosomal recessive. Last evaluated: 2021-09-02. Review status: criteria provided, single submitter. Criteria: Invitae Variant Classification Sherloc (09022015). Collection method: clinical testing. Allele origin: germline.
Comment: This sequence change replaces proline with leucine at codon 416 of the PROS1 protein (p.Pro416Leu). The proline residue is highly conserved and there is a moderate physicochemical difference between proline and leucine. This variant is present in population databases (rs565325519, ExAC 0.02%). This missense change has been observed in individual(s) with protein S deficiency (PMID: 26466767). ClinVar contains an entry for this variant (Variation ID: 216419). Algorithms developed to predict the effect of missense changes on protein structure and function output the following: SIFT: "Deleterious"; PolyPhen-2: "Benign"; Align-GVGD: "Class C0". The leucine amino acid residue is found in multiple mammalian species, which suggests that this missense change does not adversely affect protein function. In summary, the available evidence is currently insufficient to determine the role of this variant in disease. Therefore, it has been classified as a Variant of Uncertain Significance.

Fulgent Genetics
Classification: Uncertain significance for Thrombophilia due to protein S deficiency, autosomal dominant; Thrombophilia due to protein S deficiency, autosomal recessive. Last evaluated: 2021-08-26. Review status: criteria provided, single submitter. Criteria: ACMG Guidelines, 2015. Collection method: clinical testing. Allele origin: unknown.

Literature cited by the submitters: PubMed 26466767 (cited by Labcorp Genetics (formerly Invitae), Labcorp).